The following is an entry in ClinVar:

ClinVar aggregate classification (germline): Likely benign. Review status: criteria provided, single submitter (1 of 4 stars). 2 submissions from 2 submitters: Likely benign (1). 1 of the submissions does not count toward it. Last evaluated 2021-10-20.

Conditions:
FAT4-related disorder. Also called: FAT4-related condition.

Allele frequency attached by ClinVar (database versions not stated): gnomAD exomes 0.00001 and 0.00003; ExAC 0.00003; gnomAD 0.00003 and 0.00004; TOPMed 0.00003.
gnomAD v4.1: 11 of 1,613,884 alleles (0.00068%); highest among the groups gnomAD compares: African/African-American, 0.011%; no homozygotes.

Submissions (2):

Labcorp Genetics (formerly Invitae), Labcorp
Classification: Likely benign. Last evaluated: 2021-10-20. Review status: criteria provided, single submitter. Criteria: Invitae Variant Classification Sherloc (09022015). Collection method: clinical testing. Allele origin: germline.

PreventionGenetics, part of Exact Sciences
Classification: Likely benign for FAT4-related condition. Last evaluated: 2020-12-23. Review status: no assertion criteria provided. Collection method: clinical testing. Allele origin: germline. Not counted in ClinVar's aggregate classification.
Comment: This variant is classified as likely benign based on ACMG/AMP sequence variant interpretation guidelines (Richards et al. 2015 PMID: 25741868, with internal and published modifications).

NM_001291303.3(FAT4):c.91C>T (p.Leu31=)

Gene: FAT4 (FAT atypical cadherin 4; plus strand). Cytogenetic location: 4q28.1.
Variant type: single nucleotide variant.
Coding change: c.91C>T on transcript NM_001291303.3 (MANE Select); coding-DNA position 91, C replaced by T.
Protein change: p.Leu31=; no amino-acid change (leucine 31 retained).
Molecular consequence: synonymous variant.
Genome position (GRCh38, 1-based): chr4:125,316,502, C>T. VCF-style: chr4-125316502-C-T. GRCh37 (hg19) VCF-style: chr4-126237657-C-T.
Other names: c.91C>T (NM_024582.4); c.91C>T, p.Leu31= (NM_001291285.3, NM_024582.6).
Identifiers: ClinVar variation 1562488 (VCV001562488.10), dbSNP rs756659900, ClinGen allele CA3071739.